The following is an entry in ClinVar:

NM_005518.4(HMGCS2):c.719A>T (p.Asp240Val)

Gene: HMGCS2 (3-hydroxy-3-methylglutaryl-CoA synthase 2; minus strand). Cytogenetic location: 1p12.
Variant type: single nucleotide variant.
Coding change: c.719A>T on transcript NM_005518.4 (MANE Select); coding-DNA position 719, A replaced by T.
Protein change: p.Asp240Val; replaces aspartic acid 240 with valine.
Molecular consequence: missense variant.
Genome position (GRCh38, 1-based): chr1:119,759,249, T>A on the plus strand (A>T on the coding strand, the complement: HMGCS2 is on the minus strand). VCF-style: chr1-119759249-T-A. GRCh37 (hg19) VCF-style: chr1-120301872-T-A.
Other names: c.593A>T, p.Asp198Val (NM_001166107.1); short protein forms D198V, D240V.
Identifiers: ClinVar variation 3382317 (VCV003382317.2).
Genomic context (GRCh38, chr1:119,759,249, plus strand): 5'-TGGATGGAAAGCTTCCCATCCACTATTGGGTACTCCGAGGCCAAATTTGGTTTGTAGAAG[T>A]CATACACATTCTCCATATGGGTTCCCCTCAGCCCTGGAAAGGCACACAAAGTGTTTCAGA-3'
Protein context (NP_005509.1, residues 230-250): LRGTHMENVY[Asp240Val]FYKPNLASEY

ClinVar aggregate classification (germline): Likely pathogenic (1 of 4 stars; one submission).

Conditions:
3-hydroxy-3-methylglutaryl-CoA synthase deficiency (HMGCS2D). Also called: MITOCHONDRIAL HMG-CoA SYNTHASE DEFICIENCY; HMG-CoA synthase-2 deficiency; HMGCS2 DEFICIENCY. Identifiers: Orphanet 35701, MedGen C2751532, MONDO:0011614, OMIM 605911.

gnomAD v4.1: 4 of 1,614,042 alleles (0.00025%); highest among the groups gnomAD compares: Non-Finnish European, 0.00034%; no homozygotes.

Submission:

Juno Genomics, Hangzhou Juno Genomics, Inc
Classification: Likely pathogenic for 3-hydroxy-3-methylglutaryl-CoA synthase deficiency. Review status: criteria provided, single submitter. Criteria: ACMG Guidelines, 2015. Collection method: clinical testing. Allele origin: germline. Affected: yes.
Comment: Absent from controls (or at extremely low frequency if recessive) in Genome Aggregation Database, Exome Sequencing Project, 1000 Genomes Project, or Exome Aggregation Consortium.;Multiple lines of computational evidence support a deleterious effect on the gene or gene product (conservation, evolutionary, splicing impact, etc).;For recessive disorders, detected in trans with a pathogenic variant.